The following is an entry in ClinVar:

NM_018368.4(LMBRD1):c.7A>G (p.Thr3Ala)

Gene: LMBRD1 (LMBR1 domain containing 1; minus strand). Cytogenetic location: 6q13.
Variant type: single nucleotide variant.
Coding change: c.7A>G on transcript NM_018368.4 (MANE Select); coding-DNA position 7, A replaced by G.
Protein change: p.Thr3Ala; replaces threonine 3 with alanine.
Molecular consequence: missense variant.
Genome position (GRCh38, 1-based): chr6:69,796,875, T>C on the plus strand (A>G on the coding strand, the complement: LMBRD1 is on the minus strand). VCF-style: chr6-69796875-T-C. GRCh37 (hg19) VCF-style: chr6-70506767-T-C.
Other names: short protein forms T3A.
Identifiers: ClinVar variation 1009791 (VCV001009791.6), dbSNP rs1297619412, ClinGen allele CA364803926.

ClinVar aggregate classification (germline): Uncertain significance (1 of 4 stars; one submission).

Conditions:
Methylmalonic aciduria and homocystinuria type cblF. Also called: COBALAMIN F DISEASE; COBALAMIN, DEFECT IN LYSOSOMAL RELEASE OF; METHYLMALONIC ACIDEMIA AND HOMOCYSTINURIA, cblF TYPE; METHYLMALONIC ACIDURIA DUE TO VITAMIN B12-RELEASE DEFECT; VITAMIN B12 LYSOSOMAL RELEASE DEFECT; VITAMIN B12 STORAGE DISEASE. Identifiers: Orphanet 79284, MedGen C1848578, MONDO:0010183, OMIM 277380.

Allele frequency attached by ClinVar (database versions not stated): gnomAD 0.00001; TOPMed 0.00001.
gnomAD v4.1: 1 of 1,611,164 alleles (0.000062%); highest among the groups gnomAD compares: African/African-American, 0.0013%; no homozygotes.

Submission:

Labcorp Genetics (formerly Invitae), Labcorp
Classification: Uncertain significance for Methylmalonic aciduria and homocystinuria type cblF. Last evaluated: 2021-08-28. Review status: criteria provided, single submitter. Criteria: Invitae Variant Classification Sherloc (09022015). Collection method: clinical testing. Allele origin: germline.
Comment: This sequence change replaces threonine with alanine at codon 3 of the LMBRD1 protein (p.Thr3Ala). The threonine residue is weakly conserved and there is a small physicochemical difference between threonine and alanine. This variant is not present in population databases (ExAC no frequency). This variant has not been reported in the literature in individuals affected with LMBRD1-related conditions. Algorithms developed to predict the effect of missense changes on protein structure and function output the following: SIFT: "Tolerated"; PolyPhen-2: "Benign"; Align-GVGD: "Class C0". The alanine amino acid residue is found in multiple mammalian species, which suggests that this missense change does not adversely affect protein function. In summary, the available evidence is currently insufficient to determine the role of this variant in disease. Therefore, it has been classified as a Variant of Uncertain Significance.